The following is an entry in ClinVar:

NM_002471.4(MYH6):c.1301A>C (p.Glu434Ala)

Gene: MYH6 (myosin heavy chain 6; minus strand). Cytogenetic location: 14q11.2.
Variant type: single nucleotide variant.
Coding change: c.1301A>C on transcript NM_002471.4 (MANE Select); coding-DNA position 1301, A replaced by C.
Protein change: p.Glu434Ala; replaces glutamic acid 434 with alanine.
Molecular consequence: missense variant.
Genome position (GRCh38, 1-based): chr14:23,400,818, T>G on the plus strand (A>C on the coding strand, the complement: MYH6 is on the minus strand). VCF-style: chr14-23400818-T-G. GRCh37 (hg19) VCF-style: chr14-23870027-T-G.
Other names: c.1301A>C (NM_002471.3); short protein forms E434A.
Identifiers: ClinVar variation 1511471 (VCV001511471.8), dbSNP rs758220970, ClinGen allele CA7115843.

ClinVar aggregate classification (germline): Uncertain significance. Review status: criteria provided, multiple submitters, no conflicts (2 of 4 stars). 2 submissions from 2 submitters: Uncertain significance (2). Last evaluated 2023-02-10.

Conditions:
Hypertrophic cardiomyopathy 14. Identifiers: MedGen C2750467, MONDO:0013197, OMIM 613251.
MYH6-related disorder. Also called: MYH6-Related Disorders; MYH6-related condition.

Allele frequency attached by ClinVar (database versions not stated): gnomAD exomes below 0.00001; ExAC 0.00001.
gnomAD v4.1: 1 of 1,614,190 alleles (0.000062%); highest among the groups gnomAD compares: Admixed American, 0.0017%; no homozygotes.

Submissions (2):

PreventionGenetics, part of Exact Sciences
Classification: Uncertain significance for MYH6-related condition. Last evaluated: 2023-02-10. Review status: criteria provided, single submitter. Criteria: ACMG Guidelines, 2015. Collection method: clinical testing. Allele origin: germline.
Comment: The MYH6 c.1301A>C variant is predicted to result in the amino acid substitution p.Glu434Ala. To our knowledge, this variant has not been reported in the literature. This variant is reported in 0.0029% of alleles in individuals of Latino descent in gnomAD. At this time, the clinical significance of this variant is uncertain due to the absence of conclusive functional and genetic evidence.

Labcorp Genetics (formerly Invitae), Labcorp
Classification: Uncertain significance for Hypertrophic cardiomyopathy 14. Last evaluated: 2021-03-01. Review status: criteria provided, single submitter. Criteria: Invitae Variant Classification Sherloc (09022015). Collection method: clinical testing. Allele origin: germline.
Comment: In summary, the available evidence is currently insufficient to determine the role of this variant in disease. Therefore, it has been classified as a Variant of Uncertain Significance. Algorithms developed to predict the effect of missense changes on protein structure and function are either unavailable or do not agree on the potential impact of this missense change (SIFT: "Tolerated"; PolyPhen-2: "Possibly Damaging"; Align-GVGD: "Class C0"). This sequence change replaces glutamic acid with alanine at codon 434 of the MYH6 protein (p.Glu434Ala). The glutamic acid residue is weakly conserved and there is a moderate physicochemical difference between glutamic acid and alanine. This variant is present in population databases (rs758220970, ExAC 0.009%). This variant has not been reported in the literature in individuals with MYH6-related conditions.